The following is an entry in ClinVar:

NM_014290.3(TDRD7):c.2684C>A (p.Ala895Asp)

Gene: TDRD7 (tudor domain containing 7; plus strand). Cytogenetic location: 9q22.33.
Variant type: single nucleotide variant.
Coding change: c.2684C>A on transcript NM_014290.3 (MANE Select); coding-DNA position 2684, C replaced by A.
Protein change: p.Ala895Asp; replaces alanine 895 with aspartic acid.
Molecular consequence: missense variant.
Genome position (GRCh38, 1-based): chr9:97,483,120, C>A. VCF-style: chr9-97483120-C-A. GRCh37 (hg19) VCF-style: chr9-100245402-C-A.
Other names: c.2462C>A, p.Ala821Asp (NM_001302884.2); short protein forms A895D, A821D.
Identifiers: ClinVar variation 2790294 (VCV002790294.3), dbSNP rs765710079, ClinGen allele CA374180659.

ClinVar aggregate classification (germline): Uncertain significance (1 of 4 stars; one submission).

Conditions:
Cataract 36. Identifiers: MedGen C3151304, MONDO:0013484, OMIM 613887.

Allele frequency attached by ClinVar (database versions not stated): gnomAD exomes 0.00001.
gnomAD v4.1: 6 of 1,614,202 alleles (0.00037%); highest among the groups gnomAD compares: Non-Finnish European, 0.00051%; no homozygotes.

Submission:

Labcorp Genetics (formerly Invitae), Labcorp
Classification: Uncertain significance for Cataract 36. Last evaluated: 2022-11-23. Review status: criteria provided, single submitter. Criteria: Invitae Variant Classification Sherloc (09022015). Collection method: clinical testing. Allele origin: germline.
Comment: This sequence change replaces alanine, which is neutral and non-polar, with aspartic acid, which is acidic and polar, at codon 895 of the TDRD7 protein (p.Ala895Asp). This variant is not present in population databases (gnomAD no frequency). This variant has not been reported in the literature in individuals affected with TDRD7-related conditions. Algorithms developed to predict the effect of missense changes on protein structure and function (SIFT, PolyPhen-2, Align-GVGD) all suggest that this variant is likely to be tolerated. In summary, the available evidence is currently insufficient to determine the role of this variant in disease. Therefore, it has been classified as a Variant of Uncertain Significance.